The following is an entry in ClinVar:

ClinVar aggregate classification (germline): Uncertain significance. Review status: criteria provided, multiple submitters, no conflicts (2 of 4 stars). 4 submissions from 4 submitters: Uncertain significance (4). Last evaluated 2024-02-27.

Conditions:
Inborn genetic diseases. Identifiers: MedGen C0950123, MeSH D030342.

Allele frequency attached by ClinVar (database versions not stated): gnomAD exomes 0.00001 and 0.00003; TOPMed 0.00001; ExAC 0.00006; gnomAD 0.00008 and 0.00009.
gnomAD v4.1: 33 of 1,614,022 alleles (0.002%); highest among the groups gnomAD compares: Non-Finnish European, 0.0027%; no homozygotes.

Submissions (4):

Mayo Clinic Laboratories, Mayo Clinic
Classification: Uncertain significance. Last evaluated: 2024-02-27. Review status: criteria provided, single submitter. Criteria: ACMG Guidelines, 2015. Collection method: clinical testing. Allele origin: germline. Observed: 1 variant allele.

Ambry Genetics
Classification: Uncertain significance for Inborn genetic diseases. Last evaluated: 2022-06-27. Review status: criteria provided, single submitter. Criteria: Ambry Variant Classification Scheme 2023. Collection method: clinical testing. Allele origin: germline.

Labcorp Genetics (formerly Invitae), Labcorp
Classification: Uncertain significance. Last evaluated: 2021-03-01. Review status: criteria provided, single submitter. Criteria: Invitae Variant Classification Sherloc (09022015). Collection method: clinical testing. Allele origin: germline.
Comment: In summary, the available evidence is currently insufficient to determine the role of this variant in disease. Therefore, it has been classified as a Variant of Uncertain Significance. Algorithms developed to predict the effect of missense changes on protein structure and function are either unavailable or do not agree on the potential impact of this missense change (SIFT: "Deleterious"; PolyPhen-2: "Benign"; Align-GVGD: "Class C0"). This variant has not been reported in the literature in individuals with KIDINS220-related conditions. ClinVar contains an entry for this variant (Variation ID: 872194). This variant is present in population databases (rs769877849, ExAC 0.01%). This sequence change replaces isoleucine with methionine at codon 348 of the KIDINS220 protein (p.Ile348Met). The isoleucine residue is highly conserved and there is a small physicochemical difference between isoleucine and methionine.

CeGaT Center for Human Genetics Tuebingen
Classification: Uncertain significance. Last evaluated: 2020-09-01. Review status: criteria provided, single submitter. Criteria: CeGaT Center For Human Genetics Tuebingen Variant Classification Criteria Version 2. Collection method: clinical testing. Allele origin: germline. Affected: yes. Observed: 2 variant alleles.

NM_020738.4(KIDINS220):c.1044T>G (p.Ile348Met)

Gene: KIDINS220 (kinase D interacting substrate 220; minus strand). Cytogenetic location: 2p25.1.
Variant type: single nucleotide variant.
Coding change: c.1044T>G on transcript NM_020738.4 (MANE Select); coding-DNA position 1044, T replaced by G.
Protein change: p.Ile348Met; replaces isoleucine 348 with methionine.
Molecular consequence: missense variant. On other transcripts: non-coding transcript variant (2).
Genome position (GRCh38, 1-based): chr2:8,796,825, A>C on the plus strand (T>G on the coding strand, the complement: KIDINS220 is on the minus strand). VCF-style: chr2-8796825-A-C. GRCh37 (hg19) VCF-style: chr2-8936955-A-C.
Other names: p.Ile348Met; c.1044T>G (NM_020738.2); c.1047T>G, p.Ile349Met (NM_001348729.2, NM_001348731.2, NM_001348734.2 and 3 more transcripts); c.1044T>G, p.Ile348Met (NM_001348732.2, NM_001348735.2, NM_001348738.2 and 3 more transcripts); c.918T>G, p.Ile306Met (NM_001348736.2); short protein forms I306M, I348M, I349M.
Identifiers: ClinVar variation 872194 (VCV000872194.49), dbSNP rs769877849, ClinGen allele CA1520274.